The following is an entry in ClinVar:

NM_000094.4(COL7A1):c.706C>G (p.Arg236Gly)

Gene: COL7A1 (collagen type VII alpha 1 chain; minus strand). Cytogenetic location: 3p21.31.
Variant type: single nucleotide variant.
Coding change: c.706C>G on transcript NM_000094.4 (MANE Select); coding-DNA position 706, C replaced by G.
Protein change: p.Arg236Gly; replaces arginine 236 with glycine.
Molecular consequence: missense variant.
Genome position (GRCh38, 1-based): chr3:48,592,915, G>C on the plus strand (C>G on the coding strand, the complement: COL7A1 is on the minus strand). VCF-style: chr3-48592915-G-C. GRCh37 (hg19) VCF-style: chr3-48630348-G-C.
Other names: short protein forms R236G.
Identifiers: ClinVar variation 3635690 (VCV003635690.2).

ClinVar aggregate classification (germline): Uncertain significance (1 of 4 stars; one submission).

Submission:

Labcorp Genetics (formerly Invitae), Labcorp
Classification: Uncertain significance. Last evaluated: 2024-05-13. Review status: criteria provided, single submitter. Criteria: Invitae Variant Classification Sherloc (09022015). Collection method: clinical testing. Allele origin: germline.
Comment: This sequence change replaces arginine, which is basic and polar, with glycine, which is neutral and non-polar, at codon 236 of the COL7A1 protein (p.Arg236Gly). This variant is not present in population databases (gnomAD no frequency). This variant has not been reported in the literature in individuals affected with COL7A1-related conditions. Advanced modeling of protein sequence and biophysical properties (such as structural, functional, and spatial information, amino acid conservation, physicochemical variation, residue mobility, and thermodynamic stability) performed at Invitae indicates that this missense variant is not expected to disrupt COL7A1 protein function with a negative predictive value of 95%. Algorithms developed to predict the effect of sequence changes on RNA splicing suggest that this variant may create or strengthen a splice site. In summary, the available evidence is currently insufficient to determine the role of this variant in disease. Therefore, it has been classified as a Variant of Uncertain Significance.